The following is an entry in ClinVar:

NM_002641.4(PIGA):c.23G>A (p.Gly8Glu)

Gene: PIGA (phosphatidylinositol glycan anchor biosynthesis class A; minus strand). Cytogenetic location: Xp22.2.
Variant type: single nucleotide variant.
Coding change: c.23G>A on transcript NM_002641.4 (MANE Select); coding-DNA position 23, G replaced by A.
Protein change: p.Gly8Glu; replaces glycine 8 with glutamic acid.
Molecular consequence: missense variant. On other transcripts: non-coding transcript variant (2), intron variant (1).
Genome position (GRCh38, 1-based): chrX:15,331,908, C>T on the plus strand (G>A on the coding strand, the complement: PIGA is on the minus strand). VCF-style: chrX-15331908-C-T. GRCh37 (hg19) VCF-style: chrX-15350030-C-T.
Other names: c.13+3593G>A (NM_020473.3); short protein forms G8E.
Identifiers: ClinVar variation 656727 (VCV000656727.9), dbSNP rs1602212451, ClinGen allele CA412341618.

ClinVar aggregate classification (germline): Uncertain significance (1 of 4 stars; one submission).

Conditions:
Multiple congenital anomalies-hypotonia-seizures syndrome 2 (MCAHS2). Also called: GLYCOSYLPHOSPHATIDYLINOSITOL BIOSYNTHESIS DEFECT 4; EPILEPTIC ENCEPHALOPATHY, EARLY INFANTILE, 20. Identifiers: Orphanet 300496, MedGen C3275508, MONDO:0010466, OMIM 300868.

Submission:

Labcorp Genetics (formerly Invitae), Labcorp
Classification: Uncertain significance for Multiple congenital anomalies-hypotonia-seizures syndrome 2. Last evaluated: 2018-11-06. Review status: criteria provided, single submitter. Criteria: Invitae Variant Classification Sherloc (09022015). Collection method: clinical testing. Allele origin: germline.
Comment: This sequence change replaces glycine with glutamic acid at codon 8 of the PIGA protein (p.Gly8Glu). The glycine residue is weakly conserved and there is a moderate physicochemical difference between glycine and glutamic acid. This variant is not present in population databases (ExAC no frequency). This variant has not been reported in the literature in individuals with PIGA-related disease. Algorithms developed to predict the effect of missense changes on protein structure and function output the following: SIFT: "Tolerated"; PolyPhen-2: "Benign"; Align-GVGD: "Class C0". The glutamic acid amino acid residue is found in multiple mammalian species, suggesting that this missense change does not adversely affect protein function. These predictions have not been confirmed by published functional studies and their clinical significance is uncertain. In summary, the available evidence is currently insufficient to determine the role of this variant in disease. Therefore, it has been classified as a Variant of Uncertain Significance.